The following is an entry in ClinVar:

ClinVar aggregate classification (germline): Pathogenic. Review status: criteria provided, single submitter (1 of 4 stars). 2 submissions from 2 submitters: Pathogenic (1). 1 of the submissions does not count toward it. Last evaluated 2016-03-18.

Conditions:
CCDC39-related disorder. Also called: CCDC39-related condition.
Primary ciliary dyskinesia. Also called: Ciliary dyskinesia. Identifiers: Orphanet 244, MedGen C0008780, MONDO:0016575, HP:0012265.

Submissions (2):

Labcorp Genetics (formerly Invitae), Labcorp
Classification: Pathogenic for Primary ciliary dyskinesia. Last evaluated: 2016-03-18. Review status: criteria provided, single submitter. Criteria: Invitae Variant Classification Sherloc (09022015). Collection method: clinical testing. Allele origin: germline.
Comment: This sequence change deletes 4 nucleotides from exon 9 of the CCDC39 mRNA (c.1073_1076delCAAA), causing a frameshift at codon 358. This creates a premature translational stop signal (p.Thr358Asnfs*2) and is expected to result in an absent or disrupted protein product. While this particular variant has not been reported in the literature, truncating variants in CCDC39 are known to be pathogenic (PMID: 21131972, 23255504). For these reasons, this variant has been classified as Pathogenic.

PreventionGenetics, part of Exact Sciences
Classification: Likely pathogenic for CCDC39-related condition. Last evaluated: 2024-03-20. Review status: no assertion criteria provided. Collection method: clinical testing. Allele origin: germline. Not counted in ClinVar's aggregate classification.
Comment: The CCDC39 c.1073_1076delCAAA variant is predicted to result in a frameshift and premature protein termination (p.Thr358Asnfs*2). To our knowledge, this variant has not been reported in the literature. This variant has not been reported in a large population database, indicating this variant is rare. Frameshift variants in CCDC39 are expected to be pathogenic. This variant is interpreted as likely pathogenic.

Literature cited by the submitters: PubMed 21131972 (cited by Labcorp Genetics (formerly Invitae), Labcorp); PubMed 23255504 (cited by Labcorp Genetics (formerly Invitae), Labcorp).

NM_181426.2(CCDC39):c.1073_1076del (p.Thr358fs)

Gene: CCDC39 (coiled-coil domain 39 molecular ruler complex subunit; minus strand). Cytogenetic location: 3q26.33.
Variant type: Microsatellite.
Coding change: c.1073_1076del on transcript NM_181426.2 (MANE Select); coding-DNA positions 1073 to 1076, 4 bases deleted (CAAA; older notation c.1073_1076delCAAA).
Protein change: p.Thr358fs; shifts the reading frame from threonine 358.
Molecular consequence: frameshift variant.
Genome position (GRCh38, 1-based): chr3:180,651,492-180,651,495, TTTG deleted on the plus strand (CAAA on the coding strand, the reverse complement: CCDC39 is on the minus strand); deleting any 4 consecutive bases within chr3:180,651,492-180,651,500 gives the same sequence; the c. name uses the placement nearest the transcript's 3' end. VCF-style (leftmost placement, unchanged base first): chr3-180651491-TTTTG-T. GRCh37 (hg19) VCF-style: chr3-180369279-TTTTG-T.
Other names: short protein forms T358fs.
Identifiers: ClinVar variation 242167 (VCV000242167.10), dbSNP rs878855279, ClinGen allele CA10582141.